The following is an entry in ClinVar:

ClinVar aggregate classification (germline): Uncertain significance (1 of 4 stars; one submission).

Submission:

Women's Health and Genetics/Laboratory Corporation of America, LabCorp
Classification: Uncertain significance. Last evaluated: 2026-02-24. Review status: criteria provided, single submitter. Criteria: LabCorp Variant Classification Summary - May 2015. Collection method: clinical testing. Allele origin: germline.
Comment: Variant summary: TRIM2 c.1183G>C (p.Val395Leu) results in a conservative amino acid change in the encoded protein sequence. Algorithms developed to predict the effect of missense changes on protein structure and function are either unavailable or do not agree on the potential impact of this missense change. The variant was absent in 251184 control chromosomes. The available data on variant occurrences in the general population are insufficient to allow any conclusion about variant significance. To our knowledge, no occurrence of c.1183G>C in individuals affected with TRIM2-related conditions and no experimental evidence demonstrating its impact on protein function have been reported. No submitters have cited clinical-significance assessments for this variant to ClinVar. Based on the evidence outlined above, the variant was classified as uncertain significance.

NM_015271.5(TRIM2):c.1264G>C (p.Val422Leu)

Gene: TRIM2 (tripartite motif containing 2; plus strand). Cytogenetic location: 4q31.3.
Variant type: single nucleotide variant.
Coding change: c.1264G>C on transcript NM_015271.5 (MANE Select); coding-DNA position 1264, G replaced by C.
Protein change: p.Val422Leu; replaces valine 422 with leucine.
Molecular consequence: missense variant.
Genome position (GRCh38, 1-based): chr4:153,295,790, G>C. VCF-style: chr4-153295790-G-C. GRCh37 (hg19) VCF-style: chr4-154216942-G-C.
Other names: c.1183G>C, p.Val395Leu (NM_001130067.2, NM_001351056.2, NM_001375512.1 and 10 more transcripts); c.1237G>C, p.Val413Leu (NM_001351054.2); c.1234G>C, p.Val412Leu (NM_001351055.2); c.808G>C, p.Val270Leu (NM_001351057.2); c.1357G>C, p.Val453Leu (NM_001375488.1); c.1354G>C, p.Val452Leu (NM_001375489.1); c.1207G>C, p.Val403Leu (NM_001375490.1); c.1204G>C, p.Val402Leu (NM_001375491.1); and 5 more; short protein forms V270L, V309L, V310L, V311L, V395L, V402L, V403L, V412L.
Identifiers: ClinVar variation 4848145 (VCV004848145.1).
Genomic context (GRCh38, chr4:153,295,790, plus strand): 5'-AGCGTGGCAGACGGGGAGATCCTGGACAACAAGAACGGCACCTATGAGTTTTTGTACACT[G>C]TCCAGAAGGAAGGGGACTTTACCCTGTCTCTGAGACTCTATGACCAGCACATCCGAGGCA-3'
Protein context (NP_056086.2, residues 412-432): KNGTYEFLYT[Val422Leu]QKEGDFTLSL